The following is an entry in ClinVar:

ClinVar aggregate classification (germline): Uncertain significance (1 of 4 stars; one submission).

Conditions:
Ehlers-Danlos syndrome, type 4 (EDSVASC). Also called: Ehlers-Danlos syndrome vascular type; Ehlers Danlos syndrome, ecchymotic type; Ehlers Danlos syndrome, arterial type; Ehlers Danlos syndrome, Sack-Barabas type; Ehlers-Danlos Syndrome Type IV. Identifiers: Orphanet 286, MedGen C0268338, MONDO:0017314, OMIM 130050.

Submission:

Labcorp Genetics (formerly Invitae), Labcorp
Classification: Uncertain significance for Ehlers-Danlos syndrome, type 4. Last evaluated: 2021-07-21. Review status: criteria provided, single submitter. Criteria: Invitae Variant Classification Sherloc (09022015). Collection method: clinical testing. Allele origin: germline.
Comment: This sequence change replaces proline with leucine at codon 338 of the COL3A1 protein (p.Pro338Leu). The proline residue is highly conserved and there is a moderate physicochemical difference between proline and leucine. This variant is not present in population databases (ExAC no frequency). This variant has not been reported in the literature in individuals affected with COL3A1-related conditions. Advanced modeling of protein sequence and biophysical properties (such as structural, functional, and spatial information, amino acid conservation, physicochemical variation, residue mobility, and thermodynamic stability) performed at Invitae indicates that this missense variant is not expected to disrupt COL3A1 protein function. In summary, the available evidence is currently insufficient to determine the role of this variant in disease. Therefore, it has been classified as a Variant of Uncertain Significance.

NM_000090.4(COL3A1):c.1013C>T (p.Pro338Leu)

Gene: COL3A1 (collagen type III alpha 1 chain; plus strand). Cytogenetic location: 2q32.2.
Variant type: single nucleotide variant.
Coding change: c.1013C>T on transcript NM_000090.4 (MANE Select); coding-DNA position 1013, C replaced by T.
Protein change: p.Pro338Leu; replaces proline 338 with leucine.
Molecular consequence: missense variant.
Genome position (GRCh38, 1-based): chr2:188,992,903, C>T. VCF-style: chr2-188992903-C-T. GRCh37 (hg19) VCF-style: chr2-189857629-C-T.
Other names: short protein forms P338L.
Identifiers: ClinVar variation 1470874 (VCV001470874.10), dbSNP rs2153502229, ClinGen allele CA349850598.